The following is an entry in ClinVar:

ClinVar aggregate classification (germline): Likely pathogenic (0 of 4 stars; one submission).

Conditions:
Bardet-Biedl syndrome (BBS). Identifiers: Orphanet 110, MedGen C0752166, MONDO:0015229.

Submission:

Sydney Genome Diagnostics, Children's Hospital Westmead
Classification: Likely pathogenic for Bardet-Biedl syndrome. Last evaluated: 2018-05-16. Review status: no assertion criteria provided. Collection method: clinical testing. Allele origin: unknown. Affected: yes. Observed: 1 variant allele, 1 homozygote.
Comment: This frameshifting variant creates a premature stop codon p.(Tyr2528*) and may result in a null allele due to nonsense-mediated mRNA decay. The variant has not been reported in any population databases (i.e. gnomAD, ExAC, ESP or dbSNP). To our knowledge, this variant has not been previously reported in the literature or any disease specific databases. However, other truncating variants downstream of this amino acid have been described in ClinVar. This variant is considered to be likely pathogenic according to the ACMG guidelines.

NM_001378454.1(ALMS1):c.7580dup (p.Tyr2527Ter)

Gene: ALMS1 (ALMS1 centrosome and basal body associated protein; plus strand). Cytogenetic location: 2p13.1.
Variant type: Duplication.
Coding change: c.7580dup on transcript NM_001378454.1 (MANE Select); coding-DNA position 7580, one base duplicated (A; older notation c.7580dupA).
Protein change: p.Tyr2527Ter; replaces tyrosine 2527 with a stop codon.
Molecular consequence: nonsense.
Genome position (GRCh38, 1-based): chr2:73,455,201, A duplicated. VCF-style (leftmost placement, unchanged base first): chr2-73455200-T-TA. GRCh37 (hg19) VCF-style: chr2-73682327-T-TA.
Other names: c.7583dup, p.Tyr2528Ter (NM_015120.4); short protein forms Y2527*, Y2528*.
Identifiers: ClinVar variation 988212 (VCV000988212.1), dbSNP rs1672034468, ClinGen allele CA1260964943.